The following is an entry in ClinVar:

NM_000143.4(FH):c.120_130del (p.Ala41fs)

Gene: FH (fumarate hydratase; minus strand). Cytogenetic location: 1q43.
Variant type: Deletion.
Coding change: c.120_130del on transcript NM_000143.4 (MANE Select); coding-DNA positions 120 to 130, 11 bases deleted (CGCGGCTCGAA).
Protein change: p.Ala41fs; shifts the reading frame from alanine 41.
Molecular consequence: frameshift variant.
Genome position (GRCh38, 1-based): chr1:241,519,593-241,519,603, TTCGAGCCGCG deleted on the plus strand (CGCGGCTCGAA on the coding strand, the reverse complement: FH is on the minus strand); deleting any 11 consecutive bases within chr1:241,519,593-241,519,607 gives the same sequence; the c. name uses the placement nearest the transcript's 3' end. VCF-style (leftmost placement, unchanged base first): chr1-241519592-ATTCGAGCCGCG-A. GRCh37 (hg19) VCF-style: chr1-241682892-ATTCGAGCCGCG-A.
Other names: c.120_130delCGCGGCTCGAA (NM_000143.3); c.120_130del11 (NM_000143.3); short protein forms A41fs.
Identifiers: ClinVar variation 642622 (VCV000642622.12), dbSNP rs1573889860, ClinGen allele CA915942117.

ClinVar aggregate classification (germline): Conflicting classifications of pathogenicity. Review status: criteria provided, conflicting classifications (1 of 4 stars). 2 submissions from 2 submitters: Pathogenic (1); Uncertain significance (1). Last evaluated 2026-02-09.

Conditions:
Hereditary cancer-predisposing syndrome. Also called: Neoplastic Syndromes, Hereditary; Hereditary neoplastic syndrome; Tumor predisposition; Hereditary Cancer Syndrome. Identifiers: Orphanet 140162, MedGen C0027672, MeSH D009386, MONDO:0015356.

Submissions (2):

Ambry Genetics
Classification: Uncertain significance for Hereditary cancer-predisposing syndrome. Last evaluated: 2026-02-09. Review status: criteria provided, single submitter. Criteria: Ambry Variant Classification Scheme 2023. Collection method: clinical testing. Allele origin: germline.
Comment: The c.120_130del11 variant, located in coding exon 1 of the FH gene, results from a deletion of 11 nucleotides at nucleotide positions 120 to 130, causing a translational frameshift with a predicted alternate stop codon (p.A41Gfs*11). This alteration is expected to result in loss of function by premature protein truncation or nonsense-mediated mRNA decay. However, there is a second in-frame methionine at p.M44. Proteins initiated from the first methionine are targeted to the mitochondrion while proteins initiated from the second methionine are targeted to the cytoplasm due to the lack of the mitochondrial targeting sequence encoded between them (Dik E et al. Traffic, 2016 Jul;17:720-32; Magrane M et al., Database (Oxford) 2011). Data suggest that it is the cytoplasmic protein that conveys the tumor suppressor function of FH (Yogev O et al. PLoS Biol., 2010 Mar;8:e1000328). This alteration and others that are expected to adversely affect the protein before the second methionine, have been observed in numerous individuals who do not have a personal or family history that is consistent with or suggestive of HLRCC (Ambry internal data). The clinical impact of this variant in terms of autosomal recessive Fumarase Deficiency is also unclear due to the lack of this variant being associated with this autosomal recessive disease in the literature and internally. Based on the available evidence, the clinical significance of this variant remains unclear.

Labcorp Genetics (formerly Invitae), Labcorp
Classification: Pathogenic. Last evaluated: 2024-08-01. Review status: criteria provided, single submitter. Criteria: Invitae Variant Classification Sherloc (09022015). Collection method: clinical testing. Allele origin: germline.
Comment: This sequence change creates a premature translational stop signal (p.Ala41Glyfs*11) in the FH gene. FH has two initiator codons, p.Met1 and p.Met44, which result in two different functional isoforms that localize to the mitochondria and cytosol, respectively (PMID: 21929734, 27037871). Loss-of-function variants in FH are known to be pathogenic (PMID: 11865300, 21398687). Variants affecting the mitochondrial isoform confer risk for fumarate hydratase deficiency, while variants that affect the cytosolic isoform confer risk for FH tumor predisposition syndrome. This variant is not present in population databases (gnomAD no frequency). This variant has not been reported in the literature in individuals affected with FH-related conditions. ClinVar contains an entry for this variant (Variation ID: 642622). This variant disrupts the mitochondria-targeting sequence (MTS) of the FH protein, which is important for protein import into the mitochondria (PMID: 27037871). This suggests that disruption of this region is causative of fumarate hydratase deficiency. For these reasons, this variant has been classified as Pathogenic for autosomal recessive fumarate hydratase deficiency. However, this variant is not likely to confer risk for autosomal dominant FH tumor predisposition syndrome.

Literature cited by the submitters: PubMed 21929734 (cited by Labcorp Genetics (formerly Invitae), Labcorp); PubMed 27037871 (cited by Labcorp Genetics (formerly Invitae), Labcorp); PubMed 11865300 (cited by Labcorp Genetics (formerly Invitae), Labcorp); PubMed 21398687 (cited by Labcorp Genetics (formerly Invitae), Labcorp).